The following is an entry in ClinVar:

NM_001079668.3(NKX2-1):c.*436A>C

Genes: NKX2-1 (NK2 homeobox 1; minus strand), SFTA3 (surfactant associated 3; minus strand). Cytogenetic location: 14q13.3.
Variant type: single nucleotide variant.
Coding change: c.*436A>C on transcript NM_001079668.3 (MANE Select); 436 bases downstream of the stop codon, A replaced by C.
Molecular consequence: 3 prime UTR variant.
Genome position (GRCh38, 1-based): chr14:36,516,842, T>G on the plus strand (A>C on the coding strand, the complement: NKX2-1 is on the minus strand). VCF-style: chr14-36516842-T-G. GRCh37 (hg19) VCF-style: chr14-36986047-T-G.
Other names: c.*436A>C (NM_003317.4).
Identifiers: ClinVar variation 313130 (VCV000313130.5), dbSNP rs79849967, ClinGen allele CA10640137.

ClinVar aggregate classification (germline): Benign. Review status: criteria provided, single submitter (1 of 4 stars). 2 submissions from 1 submitter: Benign (2). Last evaluated 2018-01-12.

Conditions:
Benign hereditary chorea (BHC). Also called: Benign Hereditary Chorea (BHC); HEREDITARY PROGRESSIVE CHOREA WITHOUT DEMENTIA. Identifiers: Orphanet 1429, MedGen C0393584, MONDO:0021011, OMIM 118700.
Brain-lung-thyroid syndrome. Also called: CHOREOATHETOSIS AND CONGENITAL HYPOTHYROIDISM WITH PULMONARY DYSFUNCTION; Choreoathetosis, Congenital Hypothyroidism, and Neonatal Respiratory Distress Syndrome (Brain-Lung-Thyroid Syndrome); Choreoathetosis, congenital hypothyroidism, and neonatal respiratory distress. Identifiers: Orphanet 209905, MedGen C1970269, MONDO:0012593, OMIM 610978.

Allele frequency attached by ClinVar (database versions not stated): TOPMed 0.00907; 1000 Genomes Project 30x 0.01124; 1000 Genomes Project 0.01138; gnomAD exomes 0.00132; gnomAD 0.00766 and 0.00803.

Submissions (2):

Illumina Laboratory Services, Illumina
Classification: Benign for Benign hereditary chorea. Last evaluated: 2018-01-12. Review status: criteria provided, single submitter. Criteria: ICSL Variant Classification Criteria 13 December 2019. Collection method: clinical testing. Allele origin: germline.
Comment: This variant was observed in the ICSL laboratory as part of a predisposition screen in an ostensibly healthy population. It had not been previously curated by ICSL or reported in the Human Gene Mutation Database (HGMD: prior to June 1st, 2018), and was therefore a candidate for classification through an automated scoring system. Utilizing variant allele frequency, disease prevalence and penetrance estimates, and inheritance mode, an automated score was calculated to assess if this variant is too frequent to cause the disease. Based on the score and internal cut-off values, a variant classified as benign is not then subjected to further curation. The score for this variant resulted in a classification of benign for this disease.

Illumina Laboratory Services, Illumina
Classification: Benign for Brain-lung-thyroid syndrome. Last evaluated: 2018-01-12. Review status: criteria provided, single submitter. Criteria: ICSL Variant Classification Criteria 13 December 2019. Collection method: clinical testing. Allele origin: germline.
Comment: the same text as in the submission from Illumina Laboratory Services, Illumina above.